The following is an entry in ClinVar:

ClinVar aggregate classification (germline): Benign/Likely benign. Review status: criteria provided, multiple submitters, no conflicts (2 of 4 stars). 4 submissions from 4 submitters: Benign (3); Likely benign (1). Last evaluated 2026-08-25.

Conditions:
TRHR-related disorder. Also called: TRHR-related condition.

Allele frequency attached by ClinVar (database versions not stated): gnomAD exomes 0.00091 and 0.00035; ExAC 0.00113; gnomAD 0.00319 and 0.00329; TOPMed 0.00346; ESP Exome Variant Server 0.00354; 1000 Genomes Project 30x 0.00625; 1000 Genomes Project 0.00639.
gnomAD v4.1: 1,065 of 1,612,420 alleles (0.066%); highest among the groups gnomAD compares: African/African-American, 1.1%; 7 homozygotes.

Submissions (4):

PreventionGenetics, part of Exact Sciences
Classification: Benign for TRHR-related condition. Last evaluated: 2026-08-25. Review status: criteria provided, single submitter. Criteria: ACMG Guidelines, 2015. Collection method: clinical testing. Allele origin: germline.
Comment: This variant is classified as benign based on ACMG/AMP sequence variant interpretation guidelines (Richards et al. 2015 PMID: 25741868, with internal and published modifications).

Labcorp Genetics (formerly Invitae), Labcorp
Classification: Benign. Last evaluated: 2025-12-30. Review status: criteria provided, single submitter. Criteria: Invitae Variant Classification Sherloc (09022015). Collection method: clinical testing. Allele origin: germline.

Blueprint Genetics
Classification: Likely benign. Last evaluated: 2024-11-26. Review status: criteria provided, single submitter. Criteria: ACMG Guidelines, 2015. Collection method: clinical testing. Allele origin: germline.

Breakthrough Genomics
Classification: Benign. Review status: criteria provided, single submitter. Criteria: ACMG Guidelines, 2015. Collection method: not provided. Allele origin: germline. Inheritance: Autosomal recessive inheritance. Affected: yes.

NM_003301.7(TRHR):c.1149T>C (p.Ser383=)

Gene: TRHR (thyrotropin releasing hormone receptor; plus strand). Cytogenetic location: 8q23.1.
Variant type: single nucleotide variant.
Coding change: c.1149T>C on transcript NM_003301.7 (MANE Select); coding-DNA position 1149, T replaced by C.
Protein change: p.Ser383=; no amino-acid change (serine 383 retained).
Molecular consequence: synonymous variant.
Genome position (GRCh38, 1-based): chr8:109,119,407, T>C. VCF-style: chr8-109119407-T-C. GRCh37 (hg19) VCF-style: chr8-110131636-T-C.
Identifiers: ClinVar variation 724151 (VCV000724151.8), dbSNP rs5776, ClinGen allele CA4842936.